The following is an entry in ClinVar:

ClinVar aggregate classification (germline): Uncertain significance. Review status: criteria provided, multiple submitters, no conflicts (2 of 4 stars). 2 submissions from 2 submitters: Uncertain significance (2). Last evaluated 2024-12-09.

Conditions:
Inborn genetic diseases. Identifiers: MedGen C0950123, MeSH D030342.

Allele frequency attached by ClinVar (database versions not stated): ExAC 0.00002; gnomAD 0.00002; TOPMed 0.00002.
gnomAD v4.1: 10 of 1,612,930 alleles (0.00062%); highest among the groups gnomAD compares: African/African-American, 0.013%; no homozygotes.

Submissions (2):

Ambry Genetics
Classification: Uncertain significance for Inborn genetic diseases. Last evaluated: 2024-12-09. Review status: criteria provided, single submitter. Criteria: Ambry Variant Classification Scheme 2023. Collection method: clinical testing. Allele origin: germline.
Comment: The p.D962E variant (also known as c.2886C>A), located in coding exon 1 of the SAMD9L gene, results from a C to A substitution at nucleotide position 2886. The aspartic acid at codon 962 is replaced by glutamic acid, an amino acid with highly similar properties. This amino acid position is conserved. In addition, this alteration is predicted to be tolerated by in silico analysis. Based on the available evidence, the clinical significance of this variant remains unclear.

Labcorp Genetics (formerly Invitae), Labcorp
Classification: Uncertain significance. Last evaluated: 2024-06-12. Review status: criteria provided, single submitter. Criteria: Invitae Variant Classification Sherloc (09022015). Collection method: clinical testing. Allele origin: germline.
Comment: This sequence change replaces aspartic acid, which is acidic and polar, with glutamic acid, which is acidic and polar, at codon 962 of the SAMD9L protein (p.Asp962Glu). This variant is present in population databases (rs764374618, gnomAD 0.02%). This variant has not been reported in the literature in individuals affected with SAMD9L-related conditions. Advanced modeling of protein sequence and biophysical properties (such as structural, functional, and spatial information, amino acid conservation, physicochemical variation, residue mobility, and thermodynamic stability) performed at Invitae indicates that this missense variant is not expected to disrupt SAMD9L protein function with a negative predictive value of 80%. In summary, the available evidence is currently insufficient to determine the role of this variant in disease. Therefore, it has been classified as a Variant of Uncertain Significance.

NM_152703.5(SAMD9L):c.2886C>A (p.Asp962Glu)

Gene: SAMD9L (sterile alpha motif domain containing 9 like; minus strand). Cytogenetic location: 7q21.2.
Variant type: single nucleotide variant.
Coding change: c.2886C>A on transcript NM_152703.5 (MANE Select); coding-DNA position 2886, C replaced by A.
Protein change: p.Asp962Glu; replaces aspartic acid 962 with glutamic acid.
Molecular consequence: missense variant.
Genome position (GRCh38, 1-based): chr7:93,133,086, G>T on the plus strand (C>A on the coding strand, the complement: SAMD9L is on the minus strand). VCF-style: chr7-93133086-G-T. GRCh37 (hg19) VCF-style: chr7-92762399-G-T.
Other names: c.2886C>A, p.Asp962Glu (NM_001303496.3, NM_001303497.3, NM_001303498.3 and 5 more transcripts); short protein forms D962E.
Identifiers: ClinVar variation 3157718 (VCV003157718.4), dbSNP rs764374618, ClinGen allele CA4343536.